The following is an entry in ClinVar:

NM_004667.6(HERC2):c.10193_10194inv (p.Ser3398Leu)

Gene: HERC2 (HECT and RLD domain containing E3 ubiquitin protein ligase 2; minus strand). Cytogenetic location: 15q13.1.
Variant type: Inversion.
Coding change: c.10193_10194inv on transcript NM_004667.6 (MANE Select).
Protein change: p.Ser3398Leu; replaces serine 3398 with leucine.
Molecular consequence: missense variant.
Genome position: GRCh38 VCF-style: chr15-28169519-TG-CA. GRCh37 (hg19) VCF-style: chr15-28414665-TG-CA.
Other names: short protein forms S3398L.
Identifiers: ClinVar variation 1316523 (VCV001316523.5), ClinGen allele CA2573053979.

ClinVar aggregate classification (germline): Uncertain significance (1 of 4 stars; one submission).

Submission:

GeneDx
Classification: Uncertain significance. Last evaluated: 2025-06-12. Review status: criteria provided, single submitter. Criteria: GeneDx Variant Classification Process June 2021. Collection method: clinical testing. Allele origin: germline. Affected: yes.
Comment: In silico analysis supports a deleterious effect on protein structure/function; Has not been previously published as pathogenic or benign to our knowledge